The following is an entry in ClinVar:

ClinVar aggregate classification (germline): other (0 of 4 stars; one submission).

Conditions:
Familial colorectal cancer. Identifiers: MedGen CN280943, MONDO:0023113. Disease mechanism: loss of function.

Allele frequency attached by ClinVar (database versions not stated): gnomAD 0.21764 and 0.22283; TOPMed 0.22736; 1000 Genomes Project 30x 0.24610; 1000 Genomes Project 0.24621.

Submission:

Systems Biology Platform Zhejiang California International NanoSystems Institute
Classification: other for Familial colorectal cancer. Review status: no assertion criteria provided. Collection method: not provided. Allele origin: unknown.
ClinVar note: Converted during submission from cancer to other.

NM_000038.6(APC):c.646-2724A>G

Gene: APC (APC regulator of WNT signaling pathway; plus strand). Cytogenetic location: 5q22.2.
Variant type: single nucleotide variant.
Coding change: c.646-2724A>G on transcript NM_000038.6 (MANE Select); 2724 bases into the intron before coding-DNA position 646, A replaced by G.
Molecular consequence: intron variant.
Genome position (GRCh38, 1-based): chr5:112,789,722, A>G. VCF-style: chr5-112789722-A-G. GRCh37 (hg19) VCF-style: chr5-112125419-A-G.
Other names: c.646-2724A>G (NM_001354895.2, NM_001127510.3, NM_001354896.2 and 1 more transcripts); c.676-2724A>G (NM_001354897.2, NM_001354902.2); c.675+8819A>G (NM_001127511.3); c.571-2724A>G (NM_001354898.2, NM_001354904.2); c.-390-2724A>G (NM_001354906.2); c.645+8819A>G (NM_001354899.2); c.469-2724A>G (NM_001354900.2, NM_001354901.2, NM_001354905.2).
Identifiers: ClinVar variation 82985 (VCV000082985.2), dbSNP rs1734242, ClinGen allele CA011784.